The following is an entry in ClinVar:

ClinVar aggregate classification (germline): Conflicting classifications of pathogenicity. Review status: criteria provided, conflicting classifications (1 of 4 stars). 6 submissions from 6 submitters: Uncertain significance (2); Likely benign (3). 1 of the submissions does not count toward it. Last evaluated 2026-05-16.

Conditions:
KMT2D-related disorder. Also called: KMT2D-Related Disorders.
Kabuki syndrome. Also called: NIIKAWA-KUROKI SYNDROME; Kabuki make-up syndrome. Identifiers: Orphanet 2322, MedGen C0796004, MONDO:0016512.
Kabuki syndrome 1 (KABUK1). Also called: KMT2D-Related Kabuki Syndrome. Identifiers: Orphanet 2322, MedGen CN030661, MONDO:0007843, OMIM 147920.

Allele frequency attached by ClinVar (database versions not stated): gnomAD 0.00007 and 0.00008; gnomAD exomes 0.00007; TOPMed 0.00009; ExAC 0.00011; 1000 Genomes Project 0.00020; ESP Exome Variant Server 0.00024; 1000 Genomes Project 30x 0.00031.
gnomAD v4.1: 92 of 1,613,258 alleles (0.0057%); highest among the groups gnomAD compares: East Asian, 0.013%; no homozygotes.

Submissions (6):

PreventionGenetics, part of Exact Sciences
Classification: Likely benign for KMT2D-related condition. Last evaluated: 2026-05-16. Review status: criteria provided, single submitter. Criteria: ACMG Guidelines, 2015. Collection method: clinical testing. Allele origin: germline.
Comment: This variant is classified as likely benign based on ACMG/AMP sequence variant interpretation guidelines (Richards et al. 2015 PMID: 25741868, with internal and published modifications).

Labcorp Genetics (formerly Invitae), Labcorp
Classification: Likely benign for Kabuki syndrome. Last evaluated: 2025-12-26. Review status: criteria provided, single submitter. Criteria: Invitae Variant Classification Sherloc (09022015). Collection method: clinical testing. Allele origin: germline.

Dasa
Classification: Uncertain significance for Kabuki syndrome 1. Last evaluated: 2025-11-12. Review status: criteria provided, single submitter. Criteria: DASA Assertion Criteria. Collection method: clinical testing. Allele origin: germline.
Comment: NM_003482.4(KMT2D):c.553C>T (p.Arg185Cys) is a missense variant that results in the substitution of arginine with cysteine. This variant is rare in population databases. The currently available literature and clinical evidence are not sufficient to establish a definitive association between this variant and the reported condition. Therefore, this variant is classified as a variant of uncertain significance.

Blueprint Genetics
Classification: Likely benign. Last evaluated: 2024-10-10. Review status: criteria provided, single submitter. Criteria: ACMG Guidelines, 2015. Collection method: clinical testing. Allele origin: germline.

Genetic Services Laboratory, University of Chicago
Classification: Uncertain significance. Last evaluated: 2018-07-14. Review status: criteria provided, single submitter. Criteria: ACMG Guidelines, 2015. Collection method: clinical testing. Allele origin: germline. Affected: no.

ITMI
No classification provided. Condition: AllHighlyPenetrant. Last evaluated: 2013-09-19. Review status: no classification provided. Collection method: reference population. Allele origin: germline. Not counted in ClinVar's aggregate classification.
Comment: Please see associated publication for description of ethnicities

Literature cited by the submitters: PubMed 24728327 (cited by ITMI).

NM_003482.4(KMT2D):c.553C>T (p.Arg185Cys)

Gene: KMT2D (lysine methyltransferase 2D; minus strand). Cytogenetic location: 12q13.12.
Variant type: single nucleotide variant.
Coding change: c.553C>T on transcript NM_003482.4 (MANE Select); coding-DNA position 553, C replaced by T.
Protein change: p.Arg185Cys; replaces arginine 185 with cysteine.
Molecular consequence: missense variant.
Genome position (GRCh38, 1-based): chr12:49,054,098, G>A on the plus strand (C>T on the coding strand, the complement: KMT2D is on the minus strand). VCF-style: chr12-49054098-G-A. GRCh37 (hg19) VCF-style: chr12-49447881-G-A.
Other names: short protein forms R185C.
Identifiers: ClinVar variation 134732 (VCV000134732.17), dbSNP rs201796530, ClinGen allele CA160635.